The following is an entry in ClinVar:

NM_016320.5(NUP98):c.879A>G (p.Thr293=)

Gene: NUP98 (nucleoporin 98 and 96 precursor; minus strand). Cytogenetic location: 11p15.4.
Variant type: single nucleotide variant.
Coding change: c.879A>G on transcript NM_016320.5 (MANE Select); coding-DNA position 879, A replaced by G.
Protein change: p.Thr293=; no amino-acid change (threonine 293 retained).
Molecular consequence: synonymous variant. On other transcripts: non-coding transcript variant (3).
Genome position (GRCh38, 1-based): chr11:3,768,650, T>C on the plus strand (A>G on the coding strand, the complement: NUP98 is on the minus strand). VCF-style: chr11-3768650-T-C. GRCh37 (hg19) VCF-style: chr11-3789880-T-C.
Other names: c.879A>G, p.Thr293= (NM_001365129.2, NM_005387.7, NM_001365125.2 and 4 more transcripts); c.852A>G, p.Thr284= (NM_001365128.2).
Identifiers: ClinVar variation 3025668 (VCV003025668.22), dbSNP rs777219584, ClinGen allele CA5829243.

ClinVar aggregate classification (germline): Likely benign (1 of 4 stars; one submission).

Allele frequency attached by ClinVar (database versions not stated): gnomAD 0.00002; ExAC 0.00003; TOPMed 0.00003; gnomAD exomes 0.00005.
gnomAD v4.1: 69 of 1,611,930 alleles (0.0043%); highest among the groups gnomAD compares: Non-Finnish European, 0.0056%; no homozygotes.

Submission:

CeGaT Center for Human Genetics Tuebingen
Classification: Likely benign. Last evaluated: 2024-02-01. Review status: criteria provided, single submitter. Criteria: CeGaT Center For Human Genetics Tuebingen Variant Classification Criteria Version 2. Collection method: clinical testing. Allele origin: germline. Affected: yes. Observed: 1 variant allele.
Comment: NUP98: BP4, BP7